The following is an entry in ClinVar:

ClinVar aggregate classification (germline): Uncertain significance (1 of 4 stars; one submission).

gnomAD v4.1: 5 of 1,479,444 alleles (0.00034%); highest among the groups gnomAD compares: Admixed American, 0.0095%; no homozygotes.

Submission:

GeneDx
Classification: Uncertain significance. Last evaluated: 2024-09-11. Review status: criteria provided, single submitter. Criteria: GeneDx Variant Classification Process June 2021. Collection method: clinical testing. Allele origin: germline. Affected: yes.
Comment: Not observed at significant frequency in large population cohorts (gnomAD); In silico analysis supports that this missense variant has a deleterious effect on protein structure/function; Has not been previously published as pathogenic or benign to our knowledge

NM_000193.4(SHH):c.985C>A (p.Pro329Thr)

Gene: SHH (sonic hedgehog signaling molecule; minus strand). Cytogenetic location: 7q36.3.
Variant type: single nucleotide variant.
Coding change: c.985C>A on transcript NM_000193.4 (MANE Select); coding-DNA position 985, C replaced by A.
Protein change: p.Pro329Thr; replaces proline 329 with threonine.
Molecular consequence: missense variant. On other transcripts: intron variant (1).
Genome position (GRCh38, 1-based): chr7:155,803,304, G>T on the plus strand (C>A on the coding strand, the complement: SHH is on the minus strand). VCF-style: chr7-155803304-G-T. GRCh37 (hg19) VCF-style: chr7-155595998-G-T.
Other names: c.301+2992C>A (NM_001310462.2); short protein forms P329T.
Identifiers: ClinVar variation 3770017 (VCV003770017.1).